The following is an entry in ClinVar:

NM_014633.5(CTR9):c.76G>C (p.Glu26Gln)

Gene: CTR9 (CTR9 homolog, Paf1/RNA polymerase II complex component; plus strand). Cytogenetic location: 11p15.4.
Variant type: single nucleotide variant.
Coding change: c.76G>C on transcript NM_014633.5 (MANE Select); coding-DNA position 76, G replaced by C.
Protein change: p.Glu26Gln; replaces glutamic acid 26 with glutamine.
Molecular consequence: missense variant.
Genome position (GRCh38, 1-based): chr11:10,752,702, G>C. VCF-style: chr11-10752702-G-C. GRCh37 (hg19) VCF-style: chr11-10774249-G-C.
Other names: c.76G>C, p.Glu26Gln (NM_001346279.2); short protein forms E26Q.
Identifiers: ClinVar variation 1173023 (VCV001173023.2), dbSNP rs2135353143, ClinGen allele CA379675032.

ClinVar aggregate classification (germline): Likely pathogenic (1 of 4 stars; one submission).

Conditions:
CTR9-related neurodevelopmental disorder. Identifiers: MedGen CN378764, MONDO:1040006.

Submission:

Centre of Medical Genetics, University of Antwerp
Classification: Likely pathogenic for CTR9-related neurodevelopmental disorder. Last evaluated: 2021-04-01. Review status: criteria provided, single submitter. Criteria: ACMG Guidelines, 2015. Collection method: research. Allele origin: de novo. Affected: yes.
Comment: PS2, PM2, PP3